The following is an entry in ClinVar:

ClinVar aggregate classification (germline): Uncertain significance (1 of 4 stars; one submission).

gnomAD v4.1: 54 of 1,606,428 alleles (0.0034%); highest among the groups gnomAD compares: Non-Finnish European, 0.004%; no homozygotes.

Submission:

GeneDx
Classification: Uncertain significance. Last evaluated: 2023-11-16. Review status: criteria provided, single submitter. Criteria: GeneDx Variant Classification Process June 2021. Collection method: clinical testing. Allele origin: germline. Affected: yes.
Comment: Not observed at significant frequency in large population cohorts (gnomAD); In silico analysis supports that this missense variant has a deleterious effect on protein structure/function; Has not been previously published as pathogenic or benign to our knowledge

NM_024876.4(COQ8B):c.1448A>G (p.Glu483Gly)

Gene: COQ8B (coenzyme Q8B; minus strand). Cytogenetic location: 19q13.2.
Variant type: single nucleotide variant.
Coding change: c.1448A>G on transcript NM_024876.4 (MANE Select); coding-DNA position 1448, A replaced by G.
Protein change: p.Glu483Gly; replaces glutamic acid 483 with glycine.
Molecular consequence: missense variant.
Genome position (GRCh38, 1-based): chr19:40,692,222, T>C on the plus strand (A>G on the coding strand, the complement: COQ8B is on the minus strand). VCF-style: chr19-40692222-T-C. GRCh37 (hg19) VCF-style: chr19-41198127-T-C.
Other names: c.1325A>G, p.Glu442Gly (NM_001142555.3); short protein forms E442G, E483G.
Identifiers: ClinVar variation 3342454 (VCV003342454.1).
Genomic context (GRCh38, chr19:40,692,222, plus strand): 5'-CGGAGGTGGGCACAGGCCAGGAAAGCCCCTGCCAGCTTGCGGTGCAGGGCATAGGTCTCC[T>C]CGGGTGGGGGACACAGCCGGTGCCGCAGCAGCACCGGGATGAGGTCCTGTATGCGGCGGG-3'
Protein context (NP_079152.3, residues 473-493): LLRHRLCPPP[Glu483Gly]ETYALHRKLA